The following is an entry in ClinVar:

NM_014053.4(FLVCR1):c.1632G>T (p.Thr544=)

Gene: FLVCR1 (FLVCR choline and heme transporter 1; plus strand). Cytogenetic location: 1q32.3.
Variant type: single nucleotide variant.
Coding change: c.1632G>T on transcript NM_014053.4 (MANE Select); coding-DNA position 1632, G replaced by T.
Protein change: p.Thr544=; no amino-acid change (threonine 544 retained).
Molecular consequence: synonymous variant.
Genome position (GRCh38, 1-based): chr1:212,895,254, G>T. VCF-style: chr1-212895254-G-T. GRCh37 (hg19) VCF-style: chr1-213068596-G-T.
Other names: c.1632G>T (NM_014053.3).
Identifiers: ClinVar variation 1652746 (VCV001652746.11), dbSNP rs751409998, ClinGen allele CA1386226.

ClinVar aggregate classification (germline): Likely benign. Review status: criteria provided, multiple submitters, no conflicts (2 of 4 stars). 3 submissions from 3 submitters: Likely benign (2). 1 of the submissions does not count toward it. Last evaluated 2024-11-27.

Conditions:
FLVCR1-related disorder. Also called: FLVCR1-related condition.

gnomAD v4.1: 17 of 1,613,326 alleles (0.0011%); highest among the groups gnomAD compares: Admixed American, 0.02%; no homozygotes.

Submissions (3):

Labcorp Genetics (formerly Invitae), Labcorp
Classification: Likely benign. Last evaluated: 2024-11-27. Review status: criteria provided, single submitter. Criteria: Invitae Variant Classification Sherloc (09022015). Collection method: clinical testing. Allele origin: germline.

Blueprint Genetics
Classification: Likely benign. Last evaluated: 2020-11-23. Review status: criteria provided, single submitter. Criteria: ACMG Guidelines, 2015. Collection method: clinical testing. Allele origin: germline.

PreventionGenetics, part of Exact Sciences
Classification: Likely benign for FLVCR1-related condition. Last evaluated: 2019-09-19. Review status: no assertion criteria provided. Collection method: clinical testing. Allele origin: germline. Not counted in ClinVar's aggregate classification.
Comment: This variant is classified as likely benign based on ACMG/AMP sequence variant interpretation guidelines (Richards et al. 2015 PMID: 25741868, with internal and published modifications).